The following is an entry in ClinVar:

NM_001199138.2(NLRC4):c.2959C>T (p.Leu987Phe)

Gene: NLRC4 (NLR family CARD domain containing 4; minus strand). Cytogenetic location: 2p22.3.
Variant type: single nucleotide variant.
Coding change: c.2959C>T on transcript NM_001199138.2 (MANE Select); coding-DNA position 2959, C replaced by T.
Protein change: p.Leu987Phe; replaces leucine 987 with phenylalanine.
Molecular consequence: missense variant.
Genome position (GRCh38, 1-based): chr2:32,224,589, G>A on the plus strand (C>T on the coding strand, the complement: NLRC4 is on the minus strand). VCF-style: chr2-32224589-G-A. GRCh37 (hg19) VCF-style: chr2-32449658-G-A.
Other names: c.2959C>T, p.Leu987Phe (NM_001199139.2, NM_021209.5); c.964C>T, p.Leu322Phe (NM_001302504.2); short protein forms L322F, L987F.
Identifiers: ClinVar variation 850124 (VCV000850124.9), dbSNP rs949916813, ClinGen allele CA44797500.

ClinVar aggregate classification (germline): Uncertain significance (1 of 4 stars; one submission).

Conditions:
Periodic fever-infantile enterocolitis-autoinflammatory syndrome. Also called: Autoinflammation with infantile enterocolitis. Identifiers: Orphanet 436166, MedGen C4015067, MONDO:0014472, OMIM 616050.
Familial cold autoinflammatory syndrome 4 (FCAS4). Identifiers: Orphanet 47045, Orphanet 576349, MedGen C4015276, MONDO:0014498, OMIM 616115.

Allele frequency attached by ClinVar (database versions not stated): gnomAD 0.00001; TOPMed 0.00001; gnomAD exomes below 0.00001.
gnomAD v4.1: 2 of 1,613,698 alleles (0.00012%); highest among the groups gnomAD compares: African/African-American, 0.0013%; no homozygotes.

Submission:

Labcorp Genetics (formerly Invitae), Labcorp
Classification: Uncertain significance for Periodic fever-infantile enterocolitis-autoinflammatory syndrome; Familial cold autoinflammatory syndrome 4. Last evaluated: 2025-03-18. Review status: criteria provided, single submitter. Criteria: Invitae Variant Classification Sherloc (09022015). Collection method: clinical testing. Allele origin: germline.
Comment: This sequence change replaces leucine, which is neutral and non-polar, with phenylalanine, which is neutral and non-polar, at codon 987 of the NLRC4 protein (p.Leu987Phe). This variant is present in population databases (no rsID available, gnomAD 0.0009%). This variant has not been reported in the literature in individuals affected with NLRC4-related conditions. ClinVar contains an entry for this variant (Variation ID: 850124). Invitae Evidence Modeling of protein sequence and biophysical properties (such as structural, functional, and spatial information, amino acid conservation, physicochemical variation, residue mobility, and thermodynamic stability) indicates that this missense variant is not expected to disrupt NLRC4 protein function with a negative predictive value of 80%. In summary, the available evidence is currently insufficient to determine the role of this variant in disease. Therefore, it has been classified as a Variant of Uncertain Significance.